The following is an entry in ClinVar:

ClinVar aggregate classification (germline): Uncertain significance (1 of 4 stars; one submission).

Allele frequency attached by ClinVar (database versions not stated): gnomAD exomes below 0.00001; TOPMed below 0.00001; ExAC 0.00001; gnomAD 0.00001; ESP Exome Variant Server 0.00008.
gnomAD v4.1: 2 of 1,614,098 alleles (0.00012%); highest among the groups gnomAD compares: African/African-American, 0.0013%; no homozygotes.

Submission:

Ambry Genetics
Classification: Uncertain significance. Last evaluated: 2022-12-23. Review status: criteria provided, single submitter. Criteria: Ambry Variant Classification Scheme 2023. Collection method: clinical testing. Allele origin: germline.
Comment: The p.S173F variant (also known as c.518C>T), located in coding exon 3 of the ALPK2 gene, results from a C to T substitution at nucleotide position 518. The serine at codon 173 is replaced by phenylalanine, an amino acid with highly dissimilar properties. This amino acid position is conserved. In addition, the in silico prediction for this alteration is inconclusive. Since supporting evidence is limited at this time, the clinical significance of this alteration remains unclear.

NM_052947.4(ALPK2):c.518C>T (p.Ser173Phe)

Gene: ALPK2 (alpha kinase 2; minus strand). Cytogenetic location: 18q21.31.
Variant type: single nucleotide variant.
Coding change: c.518C>T on transcript NM_052947.4 (MANE Select); coding-DNA position 518, C replaced by T.
Protein change: p.Ser173Phe; replaces serine 173 with phenylalanine.
Molecular consequence: missense variant.
Genome position (GRCh38, 1-based): chr18:58,580,258, G>A on the plus strand (C>T on the coding strand, the complement: ALPK2 is on the minus strand). VCF-style: chr18-58580258-G-A. GRCh37 (hg19) VCF-style: chr18-56247490-G-A.
Other names: short protein forms S173F.
Identifiers: ClinVar variation 2450869 (VCV002450869.2), dbSNP rs368653075, ClinGen allele CA8977433.
Genomic context (GRCh38, chr18:58,580,258, plus strand): 5'-ACACCCAAAGGATTTTCAGAACTGGACACACTAATGTCAAGATTGCCCAATGACTGGAGG[G>A]AGAGTGAATGGTTGGATTTGGAGGGGGAGGAGTCAGCTGACCTGGGAGTGCCCGGGGAGA-3'
Protein context (NP_443179.3, residues 163-183): SSPSKSNHSL[Ser173Phe]LQSLGNLDIS